The following is an entry in ClinVar:

NM_001927.4(DES):c.694C>T (p.Leu232Phe)

Gene: DES (desmin; plus strand). Cytogenetic location: 2q35.
Variant type: single nucleotide variant.
Coding change: c.694C>T on transcript NM_001927.4 (MANE Select); coding-DNA position 694, C replaced by T.
Protein change: p.Leu232Phe; replaces leucine 232 with phenylalanine.
Molecular consequence: missense variant.
Genome position (GRCh38, 1-based): chr2:219,420,305, C>T. VCF-style: chr2-219420305-C-T. GRCh37 (hg19) VCF-style: chr2-220285027-C-T.
Other names: c.694C>T (LRG_380t1); short protein forms L232F.
Identifiers: ClinVar variation 541301 (VCV000541301.12), dbSNP rs764764823, ClinGen allele CA2125129.

ClinVar aggregate classification (germline): Uncertain significance. Review status: criteria provided, multiple submitters, no conflicts (2 of 4 stars). 3 submissions from 3 submitters: Uncertain significance (3). Last evaluated 2024-11-04.

Conditions:
Desmin-related myofibrillar myopathy (MFM1). Also called: Desminopathy; Desmin related myopathy (former name); Desmin storage myopathy (former name); MYOFIBRILLAR MYOPATHY WITH ARRHYTHMOGENIC RIGHT VENTRICULAR CARDIOMYOPATHY; DESMIN-RELATED MYOPATHY WITH ARRHYTHMOGENIC RIGHT VENTRICULAR CARDIOMYOPATHY; Myofibrillar myopathy 1. Identifiers: Orphanet 363543, Orphanet 98909, MedGen C1832370, MONDO:0011076, OMIM 601419.

Allele frequency attached by ClinVar (database versions not stated): gnomAD exomes below 0.00001 and 0.00002; TOPMed below 0.00001; gnomAD 0.00001; ExAC 0.00002.

Submissions (3):

Labcorp Genetics (formerly Invitae), Labcorp
Classification: Uncertain significance for Desmin-related myofibrillar myopathy. Last evaluated: 2024-11-04. Review status: criteria provided, single submitter. Criteria: Invitae Variant Classification Sherloc (09022015). Collection method: clinical testing. Allele origin: germline.
Comment: This sequence change replaces leucine, which is neutral and non-polar, with phenylalanine, which is neutral and non-polar, at codon 232 of the DES protein (p.Leu232Phe). This variant is present in population databases (rs764764823, gnomAD 0.02%). This missense change has been observed in individual(s) with DES-related conditions (PMID: 31983221). ClinVar contains an entry for this variant (Variation ID: 541301). Invitae Evidence Modeling of protein sequence and biophysical properties (such as structural, functional, and spatial information, amino acid conservation, physicochemical variation, residue mobility, and thermodynamic stability) has been performed for this missense variant. However, the output from this modeling did not meet the statistical confidence thresholds required to predict the impact of this variant on DES protein function. In summary, the available evidence is currently insufficient to determine the role of this variant in disease. Therefore, it has been classified as a Variant of Uncertain Significance.

Blueprint Genetics
Classification: Uncertain significance. Last evaluated: 2024-03-19. Review status: criteria provided, single submitter. Criteria: ACMG Guidelines, 2015. Collection method: clinical testing. Allele origin: germline.

Revvity Omics, Revvity
Classification: Uncertain significance. Last evaluated: 2021-03-24. Review status: criteria provided, single submitter. Criteria: ACMG Guidelines, 2015. Collection method: clinical testing. Allele origin: germline.

Literature cited by the submitters: PubMed 31983221 (cited by Labcorp Genetics (formerly Invitae), Labcorp).